The following is an entry in ClinVar:

ClinVar aggregate classification (germline): Uncertain significance (1 of 4 stars; one submission).

Submission:

Labcorp Genetics (formerly Invitae), Labcorp
Classification: Uncertain significance. Last evaluated: 2022-05-14. Review status: criteria provided, single submitter. Criteria: Invitae Variant Classification Sherloc (09022015). Collection method: clinical testing. Allele origin: germline.
Comment: This sequence change falls in intron 10 of the TUBGCP4 gene. It does not directly change the encoded amino acid sequence of the TUBGCP4 protein. It affects a nucleotide within the consensus splice site. This variant is present in population databases (no rsID available, gnomAD 0.003%). This variant has not been reported in the literature in individuals affected with TUBGCP4-related conditions. Variants that disrupt the consensus splice site are a relatively common cause of aberrant splicing (PMID: 17576681, 9536098). Algorithms developed to predict the effect of sequence changes on RNA splicing suggest that this variant is not likely to affect RNA splicing. In summary, the available evidence is currently insufficient to determine the role of this variant in disease. Therefore, it has been classified as a Variant of Uncertain Significance.

Literature cited by the submitters: PubMed 17576681; PubMed 9536098.

NM_014444.5(TUBGCP4):c.1065+6_1065+22del

Gene: TUBGCP4 (tubulin gamma complex component 4; plus strand). Cytogenetic location: 15q15.3.
Variant type: Deletion.
Coding change: c.1065+6_1065+22del on transcript NM_014444.5 (MANE Select); bases 6 to 22 of the intron after coding-DNA position 1065, 17 bases deleted (GGCTTAGCTGTTGTAAT).
Molecular consequence: splice donor variant.
Genome position (GRCh38, 1-based): chr15:43,395,163-43,395,179, GGCTTAGCTGTTGTAAT deleted; deleting any 17 consecutive bases within chr15:43,395,158-43,395,179 gives the same sequence; the c. name uses the placement nearest the transcript's 3' end. VCF-style (leftmost placement, unchanged base first): chr15-43395157-GGTAATGGCTTAGCTGTT-G. GRCh37 (hg19) VCF-style: chr15-43687355-GGTAATGGCTTAGCTGTT-G.
Other names: c.1065+6_1065+22del (NM_001286414.3).
Identifiers: ClinVar variation 1435699 (VCV001435699.3), dbSNP rs1234029140, ClinGen allele CA490141160.